The following is an entry in ClinVar:

NM_000321.3(RB1):c.173C>G (p.Thr58Ser)

Gene: RB1 (RB transcriptional corepressor 1; plus strand). Cytogenetic location: 13q14.2.
Variant type: single nucleotide variant.
Coding change: c.173C>G on transcript NM_000321.3 (MANE Select); coding-DNA position 173, C replaced by G.
Protein change: p.Thr58Ser; replaces threonine 58 with serine.
Molecular consequence: missense variant.
Genome position (GRCh38, 1-based): chr13:48,307,315, C>G. VCF-style: chr13-48307315-C-G. GRCh37 (hg19) VCF-style: chr13-48881451-C-G.
Other names: c.173C>G, p.Thr58Ser (NM_001407165.1, NM_001407166.1, NM_001407167.1); short protein forms T58S.
Identifiers: ClinVar variation 1779160 (VCV001779160.5), dbSNP rs138574644, ClinGen allele CA388250501.
Genomic context (GRCh38, chr13:48,307,315, plus strand): 5'-TTATATGATTATTTTCATTTGGTAGGCTTGAGTTTGAAGAAACAGAAGAACCTGATTTTA[C>G]TGCATTATGTCAGAAATTAAAGATACCAGATCATGTCAGAGAGAGAGCTTGGTTAACTTG-3'
Protein context (NP_000312.2, residues 48-68): EFEETEEPDF[Thr58Ser]ALCQKLKIPD

ClinVar aggregate classification (germline): Uncertain significance. Review status: criteria provided, multiple submitters, no conflicts (2 of 4 stars). 2 submissions from 2 submitters: Uncertain significance (2). Last evaluated 2023-07-21.

Conditions:
Hereditary cancer-predisposing syndrome. Also called: Neoplastic Syndromes, Hereditary; Tumor predisposition; Hereditary Cancer Syndrome; Hereditary neoplastic syndrome. Identifiers: Orphanet 140162, MedGen C0027672, MeSH D009386, MONDO:0015356.
Retinoblastoma (RB1). Also called: RETINOBLASTOMA, SOMATIC. Identifiers: Orphanet 790, MedGen C0035335, MeSH D012175, MONDO:0008380, OMIM 180200, HP:0009919. Disease mechanism: loss of function. Inheritance: Both sporadic and heritable forms are tested..

Submissions (2):

Labcorp Genetics (formerly Invitae), Labcorp
Classification: Uncertain significance for Retinoblastoma. Last evaluated: 2023-07-21. Review status: criteria provided, single submitter. Criteria: Invitae Variant Classification Sherloc (09022015). Collection method: clinical testing. Allele origin: germline.
Comment: This sequence change replaces threonine, which is neutral and polar, with serine, which is neutral and polar, at codon 58 of the RB1 protein (p.Thr58Ser). This variant is not present in population databases (gnomAD no frequency). This variant has not been reported in the literature in individuals affected with RB1-related conditions. ClinVar contains an entry for this variant (Variation ID: 1779160). Advanced modeling of protein sequence and biophysical properties (such as structural, functional, and spatial information, amino acid conservation, physicochemical variation, residue mobility, and thermodynamic stability) performed at Invitae indicates that this missense variant is not expected to disrupt RB1 protein function. In summary, the available evidence is currently insufficient to determine the role of this variant in disease. Therefore, it has been classified as a Variant of Uncertain Significance.

Ambry Genetics
Classification: Uncertain significance for Hereditary cancer-predisposing syndrome. Last evaluated: 2022-08-10. Review status: criteria provided, single submitter. Criteria: Ambry Variant Classification Scheme 2023. Collection method: clinical testing. Allele origin: germline.
Comment: The p.T58S variant (also known as c.173C>G), located in coding exon 2 of the RB1 gene, results from a C to G substitution at nucleotide position 173. The threonine at codon 58 is replaced by serine, an amino acid with similar properties. This amino acid position is not well conserved in available vertebrate species. In addition, this alteration is predicted to be tolerated by in silico analysis. Since supporting evidence is limited at this time, the clinical significance of this alteration remains unclear.